The following is an entry in ClinVar:

Conditions:
Long QT syndrome 5 (LQT5). Identifiers: Orphanet 101016, Orphanet 768, MedGen C1867904, MONDO:0013372, OMIM 613695.

Submission:

Roden Lab, Vanderbilt University Medical Center
No classification provided (evidence only). Condition: Long QT syndrome 5. Review status: no classification provided. Collection method: in vitro. Allele origin: not applicable. Functional consequence: Effect on ion channel function.
ClinVar note: "not provided" was previously submitted as the classification for the variant. However, the classification appeared to be based only on an observation of functional data so it was converted to no classification on 2025-07-30.

NM_000219.6(KCNE1):c.182T>C (p.Ile61Thr)

Gene: KCNE1 (potassium voltage-gated channel subfamily E regulatory subunit 1; minus strand). Cytogenetic location: 21q22.12.
Variant type: single nucleotide variant.
Coding change: c.182T>C on transcript NM_000219.6 (MANE Select); coding-DNA position 182, T replaced by C.
Protein change: p.Ile61Thr; replaces isoleucine 61 with threonine.
Molecular consequence: missense variant.
Genome position (GRCh38, 1-based): chr21:34,449,453, A>G on the plus strand (T>C on the coding strand, the complement: KCNE1 is on the minus strand). VCF-style: chr21-34449453-A-G. GRCh37 (hg19) VCF-style: chr21-35821751-A-G.
Other names: c.182T>C, p.Ile61Thr (NM_001127668.4, NM_001127669.4, NM_001127670.4 and 4 more transcripts); short protein forms I61T.
Identifiers: ClinVar variation 3374263 (VCV003374263.2).